The following is an entry in ClinVar:

ClinVar aggregate classification (germline): Uncertain significance (1 of 4 stars; one submission).

Allele frequency attached by ClinVar (database versions not stated): gnomAD exomes below 0.00001.
gnomAD v4.1: 2 of 1,606,610 alleles (0.00012%); highest among the groups gnomAD compares: Non-Finnish European, 0.00017%; no homozygotes.

Submission:

Labcorp Genetics (formerly Invitae), Labcorp
Classification: Uncertain significance. Last evaluated: 2022-08-05. Review status: criteria provided, single submitter. Criteria: Invitae Variant Classification Sherloc (09022015). Collection method: clinical testing. Allele origin: germline.
Comment: In summary, the available evidence is currently insufficient to determine the role of this variant in disease. Therefore, it has been classified as a Variant of Uncertain Significance. Algorithms developed to predict the effect of missense changes on protein structure and function output the following: SIFT: "Tolerated"; PolyPhen-2: "Benign"; Align-GVGD: "Class C0". The serine amino acid residue is found in multiple mammalian species, which suggests that this missense change does not adversely affect protein function. This variant has not been reported in the literature in individuals affected with TELO2-related conditions. This variant is not present in population databases (gnomAD no frequency). This sequence change replaces proline, which is neutral and non-polar, with serine, which is neutral and polar, at codon 147 of the TELO2 protein (p.Pro147Ser).

NM_016111.4(TELO2):c.439C>T (p.Pro147Ser)

Gene: TELO2 (telomere maintenance 2; plus strand). Cytogenetic location: 16p13.3.
Variant type: single nucleotide variant.
Coding change: c.439C>T on transcript NM_016111.4 (MANE Select); coding-DNA position 439, C replaced by T.
Protein change: p.Pro147Ser; replaces proline 147 with serine.
Molecular consequence: missense variant.
Genome position (GRCh38, 1-based): chr16:1,495,449, C>T. VCF-style: chr16-1495449-C-T. GRCh37 (hg19) VCF-style: chr16-1545450-C-T.
Other names: c.439C>T, p.Pro147Ser (NM_001351846.2); short protein forms P147S.
Identifiers: ClinVar variation 1714586 (VCV001714586.5), dbSNP rs2142456159, ClinGen allele CA394207005.